The following is an entry in ClinVar:

NM_019109.5(ALG1):c.21C>T (p.Val7=)

Gene: ALG1 (ALG1 chitobiosyldiphosphodolichol beta-mannosyltransferase; plus strand). Cytogenetic location: 16p13.3.
Variant type: single nucleotide variant.
Coding change: c.21C>T on transcript NM_019109.5 (MANE Select); coding-DNA position 21, C replaced by T.
Protein change: p.Val7=; no amino-acid change (valine 7 retained).
Molecular consequence: synonymous variant.
Genome position (GRCh38, 1-based): chr16:5,071,870, C>T. VCF-style: chr16-5071870-C-T. GRCh37 (hg19) VCF-style: chr16-5121871-C-T.
Identifiers: ClinVar variation 702826 (VCV000702826.17), dbSNP rs149388535, ClinGen allele CA7889635.

ClinVar aggregate classification (germline): Benign/Likely benign. Review status: criteria provided, multiple submitters, no conflicts (2 of 4 stars). 5 submissions from 5 submitters: Benign (2); Likely benign (2). 1 of the submissions does not count toward it. Last evaluated 2026-01-28.

Conditions:
ALG1-related disorder. Also called: ALG1-related condition.
ALG1-congenital disorder of glycosylation. Also called: CONGENITAL DISORDER OF GLYCOSYLATION, TYPE Ik; CDG Ik; ALG1-CDG. Identifiers: Orphanet 79327, MedGen C2931005, MONDO:0012052, OMIM 608540.

Allele frequency attached by ClinVar (database versions not stated): ExAC 0.00042; ESP Exome Variant Server 0.00062; gnomAD 0.00086 and 0.00093; TOPMed 0.00119; 1000 Genomes Project 0.00120; 1000 Genomes Project 30x 0.00141.
gnomAD v4.1: 279 of 1,604,880 alleles (0.017%); highest among the groups gnomAD compares: African/African-American, 0.32%; no homozygotes.

Submissions (5):

Labcorp Genetics (formerly Invitae), Labcorp
Classification: Benign for ALG1-congenital disorder of glycosylation. Last evaluated: 2026-01-28. Review status: criteria provided, single submitter. Criteria: Invitae Variant Classification Sherloc (09022015). Collection method: clinical testing. Allele origin: germline.

ARUP Laboratories, Molecular Genetics and Genomics, ARUP Laboratories
Classification: Benign for ALG1-congenital disorder of glycosylation. Last evaluated: 2024-01-17. Review status: criteria provided, single submitter. Criteria: ARUP Molecular Germline Variant Investigation Process 2024. Collection method: clinical testing. Allele origin: germline.

Fulgent Genetics
Classification: Likely benign for ALG1-congenital disorder of glycosylation. Last evaluated: 2021-08-04. Review status: criteria provided, single submitter. Criteria: ACMG Guidelines, 2015. Collection method: clinical testing. Allele origin: unknown.

GeneDx
Classification: Likely benign. Last evaluated: 2020-12-28. Review status: criteria provided, single submitter. Criteria: GeneDx Variant Classification Process June 2021. Collection method: clinical testing. Allele origin: germline. Affected: yes.

PreventionGenetics, part of Exact Sciences
Classification: Likely benign for ALG1-related condition. Last evaluated: 2019-09-17. Review status: no assertion criteria provided. Collection method: clinical testing. Allele origin: germline. Not counted in ClinVar's aggregate classification.
Comment: This variant is classified as likely benign based on ACMG/AMP sequence variant interpretation guidelines (Richards et al. 2015 PMID: 25741868, with internal and published modifications).